The following is an entry in ClinVar:

ClinVar aggregate classification (germline): Conflicting classifications of pathogenicity. Review status: criteria provided, conflicting classifications (1 of 4 stars). 10 submissions from 10 submitters: Uncertain significance (2); Likely benign (7). 1 of the submissions does not count toward it. Last evaluated 2026-01-31.

Conditions:
LYST-related disorder. Also called: LYST-related condition.
Inborn genetic diseases. Identifiers: MedGen C0950123, MeSH D030342.
Chédiak-Higashi syndrome (CHS). Also called: Chediak-Higashi Syndrome. Identifiers: Orphanet 167, MedGen C0007965, MONDO:0008963, OMIM 214500.

Allele frequency attached by ClinVar (database versions not stated): gnomAD exomes 0.00015 and 0.00027; ExAC 0.00033; ESP Exome Variant Server 0.00100; gnomAD 0.00133 and 0.00135; TOPMed 0.00139; 1000 Genomes Project 0.00180; 1000 Genomes Project 30x 0.00187.
gnomAD v4.1: 444 of 1,614,100 alleles (0.028%); highest among the groups gnomAD compares: African/African-American, 0.5%; 1 homozygote.

Submissions (10):

Labcorp Genetics (formerly Invitae), Labcorp
Classification: Likely benign for Chédiak-Higashi syndrome. Last evaluated: 2026-01-31. Review status: criteria provided, single submitter. Criteria: Invitae Variant Classification Sherloc (09022015). Collection method: clinical testing. Allele origin: germline.

CeGaT Center for Human Genetics Tuebingen
Classification: Likely benign. Last evaluated: 2025-10-01. Review status: criteria provided, single submitter. Criteria: CeGaT Center For Human Genetics Tuebingen Variant Classification Criteria Version 2. Collection method: clinical testing. Allele origin: germline. Affected: yes. Observed: 1 variant allele.
Comment: LYST: BP4

Mayo Clinic Laboratories, Mayo Clinic
Classification: Likely benign. Last evaluated: 2024-12-27. Review status: criteria provided, single submitter. Criteria: ACMG Guidelines, 2015. Collection method: clinical testing. Allele origin: germline. Observed: 2 variant alleles.
Comment: BP4_moderate

Women's Health and Genetics/Laboratory Corporation of America, LabCorp
Classification: Likely benign. Last evaluated: 2024-05-30. Review status: criteria provided, single submitter. Criteria: LabCorp Variant Classification Summary - May 2015. Collection method: clinical testing. Allele origin: germline.
Comment: Variant summary: LYST c.4337G>A (p.Arg1446Gln) results in a conservative amino acid change in the encoded protein sequence. Four of four in-silico tools predict a benign effect of the variant on protein function. The variant allele was found at a frequency of 0.00027 in 251156 control chromosomes, predominantly at a frequency of 0.0037 within the African or African-American subpopulation in the gnomAD database. The observed variant frequency within African or African-American control individuals in the gnomAD database is approximately 3 fold of the estimated maximal expected allele frequency for a pathogenic variant in LYST causing Chediak-Higashi Syndrome phenotype (0.0011). To our knowledge, no occurrence of c.4337G>A in individuals affected with Chediak-Higashi Syndrome and no experimental evidence demonstrating its impact on protein function have been reported. ClinVar contains an entry for this variant (Variation ID: 296397). Based on the evidence outlined above, the variant was classified as likely benign.

Blueprint Genetics
Classification: Likely benign. Last evaluated: 2024-03-28. Review status: criteria provided, single submitter. Criteria: ACMG Guidelines, 2015. Collection method: clinical testing. Allele origin: germline.

Ambry Genetics
Classification: Likely benign for Inborn genetic diseases. Last evaluated: 2021-10-21. Review status: criteria provided, single submitter. Criteria: Ambry Variant Classification Scheme 2023. Collection method: clinical testing. Allele origin: germline.

New York Genome Center
Classification: Uncertain significance for Chédiak-Higashi syndrome. Last evaluated: 2019-12-24. Review status: criteria provided, single submitter. Criteria: NYGC Assertion Criteria 2020. Collection method: clinical testing. Allele origin: germline. Observed: 1 heterozygote. Study: CSER-NYCKidSeq.

Baylor Genetics
Classification: Uncertain significance for Chédiak-Higashi syndrome. Last evaluated: 2019-08-30. Review status: criteria provided, single submitter. Criteria: ACMG Guidelines, 2015. Collection method: clinical testing. Allele origin: unknown. Affected: yes.
Comment: This variant was determined to be of uncertain significance according to ACMG Guidelines, 2015 [PMID:25741868].

Illumina Laboratory Services, Illumina
Classification: Likely benign for Chédiak-Higashi syndrome. Last evaluated: 2018-01-12. Review status: criteria provided, single submitter. Criteria: ICSL Variant Classification Criteria 13 December 2019. Collection method: clinical testing. Allele origin: germline.
Comment: This variant was observed in the ICSL laboratory as part of a predisposition screen in an ostensibly healthy population. It had not been previously curated by ICSL or reported in the Human Gene Mutation Database (HGMD: prior to June 1st, 2018), and was therefore a candidate for classification through an automated scoring system. Utilizing variant allele frequency, disease prevalence and penetrance estimates, and inheritance mode, an automated score was calculated to assess if this variant is too frequent to cause the disease. Based on the score and internal cut-off values, a variant classified as likely benign is not then subjected to further curation. The score for this variant resulted in a classification of likely benign for this disease.

PreventionGenetics, part of Exact Sciences
Classification: Likely benign for LYST-related condition. Last evaluated: 2022-10-17. Review status: no assertion criteria provided. Collection method: clinical testing. Allele origin: germline. Not counted in ClinVar's aggregate classification.
Comment: This variant is classified as likely benign based on ACMG/AMP sequence variant interpretation guidelines (Richards et al. 2015 PMID: 25741868, with internal and published modifications).

Literature cited by the submitters: PubMed 37543594 (cited by Mayo Clinic Laboratories, Mayo Clinic).

NM_000081.4(LYST):c.4337G>A (p.Arg1446Gln)

Gene: LYST (lysosomal trafficking regulator; minus strand). Cytogenetic location: 1q42.3.
Variant type: single nucleotide variant.
Coding change: c.4337G>A on transcript NM_000081.4 (MANE Select); coding-DNA position 4337, G replaced by A.
Protein change: p.Arg1446Gln; replaces arginine 1446 with glutamine.
Molecular consequence: missense variant.
Genome position (GRCh38, 1-based): chr1:235,791,905, C>T on the plus strand (G>A on the coding strand, the complement: LYST is on the minus strand). VCF-style: chr1-235791905-C-T. GRCh37 (hg19) VCF-style: chr1-235955205-C-T.
Other names: p.Arg1446Gln; c.4337G>A, p.Arg1446Gln (NM_001301365.1); c.4337G>A (NM_000081.2); short protein forms R1446Q.
Identifiers: ClinVar variation 296397 (VCV000296397.34), dbSNP rs111722949, ClinGen allele CA1466869.